The following is an entry in ClinVar:

ClinVar aggregate classification (germline): Uncertain significance. Review status: criteria provided, multiple submitters, no conflicts (2 of 4 stars). 3 submissions from 3 submitters: Uncertain significance (3). Last evaluated 2024-02-01.

Conditions:
Werner syndrome (WRN). Identifiers: Orphanet 902, MedGen C0043119, MONDO:0010196, OMIM 277700.

Allele frequency attached by ClinVar (database versions not stated): TOPMed below 0.00001; ExAC 0.00001; gnomAD exomes 0.00001.
gnomAD v4.1: 3 of 1,614,052 alleles (0.00019%); highest among the groups gnomAD compares: South Asian, 0.0022%; no homozygotes.

Submissions (3):

Neuberg Centre For Genomic Medicine, NCGM
Classification: Uncertain significance for Werner syndrome. Last evaluated: 2024-02-01. Review status: criteria provided, single submitter. Criteria: ACMG Guidelines, 2015. Collection method: clinical testing. Allele origin: germline. Inheritance: Autosomal recessive inheritance.
Comment: The missense variant has not been reported previously as a pathogenic variant nor as a benign variant, to our knowledge.

Baylor Genetics
Classification: Uncertain significance for Werner syndrome. Last evaluated: 2020-07-03. Review status: criteria provided, single submitter. Criteria: ACMG Guidelines, 2015. Collection method: clinical testing. Allele origin: unknown. Affected: yes. Study: CSER-TexasKidsCanSeq.
Comment: This variant was determined to be of uncertain significance according to ACMG Guidelines, 2015 [PMID:25741868].

Labcorp Genetics (formerly Invitae), Labcorp
Classification: Uncertain significance for Werner syndrome. Last evaluated: 2018-12-27. Review status: criteria provided, single submitter. Criteria: Invitae Variant Classification Sherloc (09022015). Collection method: clinical testing. Allele origin: germline.
Comment: In summary, the available evidence is currently insufficient to determine the role of this variant in disease. Therefore, it has been classified as a Variant of Uncertain Significance. Algorithms developed to predict the effect of missense changes on protein structure and function output the following: SIFT: "Deleterious"; PolyPhen-2: "Possibly Damaging"; Align-GVGD: "Class C0". The glutamine amino acid residue is found in multiple mammalian species, suggesting that this missense change does not adversely affect protein function. These predictions have not been confirmed by published functional studies and their clinical significance is uncertain. This variant has not been reported in the literature in individuals with WRN-related conditions. This variant is present in population databases (rs775535952, ExAC 0.006%). This sequence change replaces arginine with glutamine at codon 1305 of the WRN protein (p.Arg1305Gln). The arginine residue is highly conserved and there is a small physicochemical difference between arginine and glutamine.

NM_000553.6(WRN):c.3914G>A (p.Arg1305Gln)

Gene: WRN (WRN RecQ like helicase; plus strand). Cytogenetic location: 8p12.
Variant type: single nucleotide variant.
Coding change: c.3914G>A on transcript NM_000553.6 (MANE Select); coding-DNA position 3914, G replaced by A.
Protein change: p.Arg1305Gln; replaces arginine 1305 with glutamine.
Molecular consequence: missense variant.
Genome position (GRCh38, 1-based): chr8:31,157,462, G>A. VCF-style: chr8-31157462-G-A. GRCh37 (hg19) VCF-style: chr8-31014978-G-A.
Other names: short protein forms R1305Q.
Identifiers: ClinVar variation 659466 (VCV000659466.6), dbSNP rs775535952, ClinGen allele CA4705207.